The following is an entry in ClinVar:

NM_014049.5(ACAD9):c.614A>G (p.Tyr205Cys)

Gene: ACAD9 (acyl-CoA dehydrogenase family member 9; plus strand). Cytogenetic location: 3q21.3.
Variant type: single nucleotide variant.
Coding change: c.614A>G on transcript NM_014049.5 (MANE Select); coding-DNA position 614, A replaced by G.
Protein change: p.Tyr205Cys; replaces tyrosine 205 with cysteine.
Molecular consequence: missense variant. On other transcripts: non-coding transcript variant (1).
Genome position (GRCh38, 1-based): chr3:128,897,691, A>G. VCF-style: chr3-128897691-A-G. GRCh37 (hg19) VCF-style: chr3-128616534-A-G.
Other names: c.245A>G, p.Tyr82Cys (NM_001410805.1); short protein forms Y205C, Y82C.
Identifiers: ClinVar variation 4751870 (VCV004751870.1).

ClinVar aggregate classification (germline): Uncertain significance (1 of 4 stars; one submission).

Submission:

Labcorp Genetics (formerly Invitae), Labcorp
Classification: Uncertain significance. Last evaluated: 2025-10-29. Review status: criteria provided, single submitter. Criteria: Invitae Variant Classification Sherloc (09022015). Collection method: clinical testing. Allele origin: germline.
Comment: This sequence change replaces tyrosine, which is neutral and polar, with cysteine, which is neutral and slightly polar, at codon 205 of the ACAD9 protein (p.Tyr205Cys). This variant is not present in population databases (gnomAD no frequency). This variant has not been reported in the literature in individuals affected with ACAD9-related conditions. Invitae Evidence Modeling of protein sequence and biophysical properties (such as structural, functional, and spatial information, amino acid conservation, physicochemical variation, residue mobility, and thermodynamic stability) indicates that this missense variant is expected to disrupt ACAD9 protein function with a positive predictive value of 80%. In summary, the available evidence is currently insufficient to determine the role of this variant in disease. Therefore, it has been classified as a Variant of Uncertain Significance.